The following is an entry in ClinVar:

NM_002834.5(PTPN11):c.715A>G (p.Thr239Ala)

Gene: PTPN11 (protein tyrosine phosphatase non-receptor type 11; plus strand). Cytogenetic location: 12q24.13.
Variant type: single nucleotide variant.
Coding change: c.715A>G on transcript NM_002834.5 (MANE Select); coding-DNA position 715, A replaced by G.
Protein change: p.Thr239Ala; replaces threonine 239 with alanine.
Molecular consequence: missense variant.
Genome position (GRCh38, 1-based): chr12:112,456,022, A>G. VCF-style: chr12-112456022-A-G. GRCh37 (hg19) VCF-style: chr12-112893826-A-G.
Other names: c.715A>G, p.Thr239Ala (NM_001330437.2, NM_080601.3); c.712A>G, p.Thr238Ala (NM_001374625.1); short protein forms T239A, T238A.
Identifiers: ClinVar variation 3940435 (VCV003940435.1).

ClinVar aggregate classification (germline): Uncertain significance (1 of 4 stars; one submission).

Conditions:
Cardiovascular phenotype. Identifiers: MedGen CN230736.

Submission:

Ambry Genetics
Classification: Uncertain significance for Cardiovascular phenotype. Last evaluated: 2025-06-02. Review status: criteria provided, single submitter. Criteria: Ambry Variant Classification Scheme 2023. Collection method: clinical testing. Allele origin: germline.
Comment: The p.T239A variant (also known as c.715A>G), located in coding exon 6 of the PTPN11 gene, results from an A to G substitution at nucleotide position 715. The threonine at codon 239 is replaced by alanine, an amino acid with similar properties. This amino acid position is conserved. In addition, the in silico prediction for this alteration is inconclusive. Based on the available evidence, the clinical significance of this variant remains unclear.